The following is an entry in ClinVar:

ClinVar aggregate classification (germline): Benign (0 of 4 stars; one submission).

Conditions:
NCOR2-related disorder. Also called: NCOR2-related condition.

Allele frequency attached by ClinVar (database versions not stated): gnomAD exomes 0.00109; ExAC 0.00461; 1000 Genomes Project 0.01018; gnomAD 0.01053; ESP Exome Variant Server 0.01134; TOPMed 0.01159; 1000 Genomes Project 30x 0.01234.
gnomAD v4.1: 3,276 of 1,605,244 alleles (0.2%); highest among the groups gnomAD compares: African/African-American, 3.7%; 52 homozygotes.

Submission:

PreventionGenetics, part of Exact Sciences
Classification: Benign for NCOR2-related condition. Last evaluated: 2019-03-26. Review status: no assertion criteria provided. Collection method: clinical testing. Allele origin: germline.
Comment: This variant is classified as benign based on ACMG/AMP sequence variant interpretation guidelines (Richards et al. 2015 PMID: 25741868, with internal and published modifications).

NM_006312.6(NCOR2):c.155A>G (p.His52Arg)

Gene: NCOR2 (nuclear receptor corepressor 2; minus strand). Cytogenetic location: 12q24.31.
Variant type: single nucleotide variant.
Coding change: c.155A>G on transcript NM_006312.6 (MANE Select); coding-DNA position 155, A replaced by G.
Protein change: p.His52Arg; replaces histidine 52 with arginine.
Molecular consequence: missense variant.
Genome position (GRCh38, 1-based): chr12:124,486,519, T>C on the plus strand (A>G on the coding strand, the complement: NCOR2 is on the minus strand). VCF-style: chr12-124486519-T-C. GRCh37 (hg19) VCF-style: chr12-124971065-T-C.
Other names: c.155A>G, p.His52Arg (NM_001077261.4, NM_001206654.2); short protein forms H52R.
Identifiers: ClinVar variation 3035234 (VCV003035234.2), dbSNP rs114258960, ClinGen allele CA6870012.